The following is an entry in ClinVar:

NM_001378454.1(ALMS1):c.3472G>C (p.Ala1158Pro)

Gene: ALMS1 (ALMS1 centrosome and basal body associated protein; plus strand). Cytogenetic location: 2p13.1.
Variant type: single nucleotide variant.
Coding change: c.3472G>C on transcript NM_001378454.1 (MANE Select); coding-DNA position 3472, G replaced by C.
Protein change: p.Ala1158Pro; replaces alanine 1158 with proline.
Molecular consequence: missense variant.
Genome position (GRCh38, 1-based): chr2:73,449,999, G>C. VCF-style: chr2-73449999-G-C. GRCh37 (hg19) VCF-style: chr2-73677126-G-C.
Other names: c.3475G>C, p.Ala1159Pro (NM_015120.4); short protein forms A1158P, A1159P.
Identifiers: ClinVar variation 1356467 (VCV001356467.6), dbSNP rs376302473, ClinGen allele CA50392562.

ClinVar aggregate classification (germline): Uncertain significance. Review status: criteria provided, multiple submitters, no conflicts (2 of 4 stars). 2 submissions from 2 submitters: Uncertain significance (2). Last evaluated 2025-08-21.

Conditions:
Cardiovascular phenotype. Identifiers: MedGen CN230736.
Alstrom syndrome (ALMS). Identifiers: Orphanet 64, MedGen C0268425, MONDO:0008763, OMIM 203800.

Submissions (2):

Labcorp Genetics (formerly Invitae), Labcorp
Classification: Uncertain significance for Alstrom syndrome. Last evaluated: 2025-08-21. Review status: criteria provided, single submitter. Criteria: Invitae Variant Classification Sherloc (09022015). Collection method: clinical testing. Allele origin: germline.
Comment: This sequence change replaces alanine, which is neutral and non-polar, with proline, which is neutral and non-polar, at codon 1159 of the ALMS1 protein (p.Ala1159Pro). This variant is not present in population databases (gnomAD no frequency). This variant has not been reported in the literature in individuals affected with ALMS1-related conditions. ClinVar contains an entry for this variant (Variation ID: 1356467). Experimental studies and prediction algorithms are not available or were not evaluated, and the functional significance of this variant is currently unknown. In summary, the available evidence is currently insufficient to determine the role of this variant in disease. Therefore, it has been classified as a Variant of Uncertain Significance.

Ambry Genetics
Classification: Uncertain significance for Cardiovascular phenotype. Last evaluated: 2019-05-24. Review status: criteria provided, single submitter. Criteria: Ambry Variant Classification Scheme 2023. Collection method: clinical testing. Allele origin: germline.
Comment: The p.A1159P variant (also known as c.3475G>C), located in coding exon 8 of the ALMS1 gene, results from a G to C substitution at nucleotide position 3475. The alanine at codon 1159 is replaced by proline, an amino acid with highly similar properties. This amino acid position is poorly conserved in available vertebrate species, and proline is the reference amino acid in other vertebrate species. In addition, this alteration is predicted to be tolerated by in silico analysis. Since supporting evidence is limited at this time, the clinical significance of this alteration remains unclear.